The following is an entry in ClinVar:

ClinVar aggregate classification (germline): Uncertain significance (1 of 4 stars; one submission).

Submission:

Women's Health and Genetics/Laboratory Corporation of America, LabCorp
Classification: Uncertain significance. Last evaluated: 2024-10-31. Review status: criteria provided, single submitter. Criteria: LabCorp Variant Classification Summary - May 2015. Collection method: clinical testing. Allele origin: germline.
Comment: Variant summary: SLC9A6 c.941C>T (p.Ala314Val) results in a non-conservative amino acid change located in the Cation/H+ exchanger domain (IPR006153) of the encoded protein sequence. Four of five in-silico tools predict a damaging effect of the variant on protein function. The variant was absent in 183343 control chromosomes. The available data on variant occurrences in the general population are insufficient to allow any conclusion about variant significance. To our knowledge, no occurrence of c.941C>T in individuals affected with Christianson Syndrome and no experimental evidence demonstrating its impact on protein function have been reported. No submitters have cited clinical-significance assessments for this variant to ClinVar. Based on the evidence outlined above, the variant was classified as uncertain significance.

NM_001379110.1(SLC9A6):c.881C>T (p.Ala294Val)

Gene: SLC9A6 (solute carrier family 9 member A6; plus strand). Cytogenetic location: Xq26.3.
Variant type: single nucleotide variant.
Coding change: c.881C>T on transcript NM_001379110.1 (MANE Select); coding-DNA position 881, C replaced by T.
Protein change: p.Ala294Val; replaces alanine 294 with valine.
Molecular consequence: missense variant.
Genome position (GRCh38, 1-based): chrX:136,010,579, C>T. VCF-style: chrX-136010579-C-T. GRCh37 (hg19) VCF-style: chrX-135092738-C-T.
Other names: c.1037C>T, p.Ala346Val (NM_001042537.2); c.881C>T, p.Ala294Val (NM_001177651.2, NM_001400909.1, NM_001400910.1 and 2 more transcripts); c.785C>T, p.Ala262Val (NM_001330652.2, NM_001400913.1); c.941C>T, p.Ala314Val (NM_006359.3); short protein forms A262V, A294V, A314V, A346V.
Identifiers: ClinVar variation 3385068 (VCV003385068.1).